The following is an entry in ClinVar:

NM_005359.6(SMAD4):c.1140-2A>C

Gene: SMAD4 (SMAD family member 4; plus strand). Cytogenetic location: 18q21.2.
Variant type: single nucleotide variant.
Coding change: c.1140-2A>C on transcript NM_005359.6 (MANE Select); the canonical splice acceptor site of the intron before coding-DNA position 1140, A replaced by C.
Molecular consequence: splice acceptor variant.
Genome position (GRCh38, 1-based): chr18:51,067,017, A>C. VCF-style: chr18-51067017-A-C. GRCh37 (hg19) VCF-style: chr18-48593387-A-C.
Other names: c.1140-2A>C (NM_001407041.1, NM_001407042.1).
Identifiers: ClinVar variation 571839 (VCV000571839.8), dbSNP rs1568208715, ClinGen allele CA402464702.

ClinVar aggregate classification (germline): Likely pathogenic (1 of 4 stars; one submission).

Conditions:
Juvenile polyposis syndrome (JPS). Identifiers: Orphanet 2929, MedGen C0345893, MONDO:0017380, OMIM 174900.

Submission:

Labcorp Genetics (formerly Invitae), Labcorp
Classification: Likely pathogenic for Juvenile polyposis syndrome. Last evaluated: 2018-05-03. Review status: criteria provided, single submitter. Criteria: Invitae Variant Classification Sherloc (09022015). Collection method: clinical testing. Allele origin: germline.
Comment: Donor and acceptor splice site variants typically lead to a loss of protein function (PMID: 16199547), and loss-of-function variants in SMAD4 are known to be pathogenic (PMID: 16152648, 16436638, 22810475). This sequence change affects an acceptor splice site in intron 9 of the SMAD4 gene. It is expected to disrupt RNA splicing and likely results in an absent or disrupted protein product. This variant is not present in population databases (ExAC no frequency). This variant has not been reported in the literature in individuals with SMAD4-related disease. In summary, the currently available evidence indicates that the variant is pathogenic, but additional data are needed to prove that conclusively. Therefore, this variant has been classified as Likely Pathogenic.

Literature cited by the submitters: PubMed 16199547; PubMed 16152648; PubMed 16436638; PubMed 22810475.